The following is an entry in ClinVar:

NM_001364905.1(LRBA):c.3811C>T (p.Arg1271Ter)

Gene: LRBA (LPS responsive beige-like anchor protein; minus strand). Cytogenetic location: 4q31.3.
Variant type: single nucleotide variant.
Coding change: c.3811C>T on transcript NM_001364905.1 (MANE Select); coding-DNA position 3811, C replaced by T.
Protein change: p.Arg1271Ter; replaces arginine 1271 with a stop codon.
Molecular consequence: nonsense.
Genome position (GRCh38, 1-based): chr4:150,851,899, G>A on the plus strand (C>T on the coding strand, the complement: LRBA is on the minus strand). VCF-style: chr4-150851899-G-A. GRCh37 (hg19) VCF-style: chr4-151773051-G-A.
Other names: c.3811C>T, p.Arg1271Ter (NM_001199282.3, NM_001367550.1, NM_006726.5); short protein forms R1271*.
Identifiers: ClinVar variation 574254 (VCV000574254.8), dbSNP rs1560914625, ClinGen allele CA358456214.

ClinVar aggregate classification (germline): Pathogenic (1 of 4 stars; one submission).

Conditions:
Combined immunodeficiency due to LRBA deficiency. Also called: Common variable immunodeficiency 8, with autoimmunity. Identifiers: Orphanet 445018, MedGen C3553512, MONDO:0013863, OMIM 614700.

Allele frequency attached by ClinVar (database versions not stated): gnomAD exomes below 0.00001.
gnomAD v4.1: 2 of 1,607,958 alleles (0.00012%); highest among the groups gnomAD compares: Non-Finnish European, 0.00017%; no homozygotes.

Submission:

Labcorp Genetics (formerly Invitae), Labcorp
Classification: Pathogenic for Combined immunodeficiency due to LRBA deficiency. Last evaluated: 2025-08-20. Review status: criteria provided, single submitter. Criteria: Invitae Variant Classification Sherloc (09022015). Collection method: clinical testing. Allele origin: germline.
Comment: This sequence change creates a premature translational stop signal (p.Arg1271*) in the LRBA gene. It is expected to result in an absent or disrupted protein product. Loss-of-function variants in LRBA are known to be pathogenic (PMID: 26206937, 26768763). This variant is not present in population databases (gnomAD no frequency). This premature translational stop signal has been observed in individual(s) with clinical features of LRBA-related disease (PMID: 28473463). ClinVar contains an entry for this variant (Variation ID: 574254). Algorithms developed to predict the effect of sequence changes on RNA splicing suggest that this variant may disrupt the consensus splice site. For these reasons, this variant has been classified as Pathogenic.

Literature cited by the submitters: PubMed 26206937; PubMed 26768763; PubMed 28473463.